The following is an entry in ClinVar:

ClinVar aggregate classification (germline): Uncertain significance (1 of 4 stars; one submission).

Conditions:
Aortic aneurysm, familial thoracic 7 (AAT7). Also called: AORTIC DISSECTION, FAMILIAL, WITH OR WITHOUT AORTIC ANEURYSM. Identifiers: MedGen C3151077, MONDO:0013418, OMIM 613780.

Allele frequency attached by ClinVar (database versions not stated): gnomAD exomes below 0.00001.
gnomAD v4.1: 1 of 1,607,978 alleles (0.000062%); highest among the groups gnomAD compares: Non-Finnish European, 0.000085%; no homozygotes.

Submission:

Labcorp Genetics (formerly Invitae), Labcorp
Classification: Uncertain significance for Aortic aneurysm, familial thoracic 7. Last evaluated: 2023-02-04. Review status: criteria provided, single submitter. Criteria: Invitae Variant Classification Sherloc (09022015). Collection method: clinical testing. Allele origin: germline.
Comment: This variant is not present in population databases (gnomAD no frequency). This sequence change replaces lysine, which is basic and polar, with arginine, which is basic and polar, at codon 990 of the MYLK protein (p.Lys990Arg). This variant has not been reported in the literature in individuals affected with MYLK-related conditions. In summary, the available evidence is currently insufficient to determine the role of this variant in disease. Therefore, it has been classified as a Variant of Uncertain Significance. Advanced modeling of protein sequence and biophysical properties (such as structural, functional, and spatial information, amino acid conservation, physicochemical variation, residue mobility, and thermodynamic stability) performed at Invitae indicates that this missense variant is not expected to disrupt MYLK protein function.

NM_053025.4(MYLK):c.2969A>G (p.Lys990Arg)

Gene: MYLK (myosin light chain kinase; minus strand). Cytogenetic location: 3q21.1.
Variant type: single nucleotide variant.
Coding change: c.2969A>G on transcript NM_053025.4 (MANE Select); coding-DNA position 2969, A replaced by G.
Protein change: p.Lys990Arg; replaces lysine 990 with arginine.
Molecular consequence: missense variant.
Genome position (GRCh38, 1-based): chr3:123,700,499, T>C on the plus strand (A>G on the coding strand, the complement: MYLK is on the minus strand). VCF-style: chr3-123700499-T-C. GRCh37 (hg19) VCF-style: chr3-123419346-T-C.
Other names: c.2441A>G, p.Lys814Arg (NM_001321309.2); c.2762A>G, p.Lys921Arg (NM_053026.4, NM_053028.4); c.2969A>G, p.Lys990Arg (NM_053027.4); short protein forms K990R, K921R, K814R.
Identifiers: ClinVar variation 2983560 (VCV002983560.2), dbSNP rs2108581241, ClinGen allele CA354230506.